The following is an entry in ClinVar:

ClinVar aggregate classification (germline): Benign/Likely benign. Review status: criteria provided, multiple submitters, no conflicts (2 of 4 stars). 3 submissions from 3 submitters: Benign (1); Likely benign (2). Last evaluated 2025-04-14.

Conditions:
Hereditary cancer-predisposing syndrome. Also called: Hereditary Cancer Syndrome; Neoplastic Syndromes, Hereditary; Hereditary neoplastic syndrome; Tumor predisposition. Identifiers: Orphanet 140162, MedGen C0027672, MeSH D009386, MONDO:0015356.
BAP1-related tumor predisposition syndrome (TPDS1). Also called: BAP1 tumor predisposition syndrome; COMMON Syndrome; TUMOR PREDISPOSITION SYNDROME 1; Tumor susceptibility linked to germline BAP1 mutations. Identifiers: Orphanet 289539, MedGen C3280492, MONDO:0013692, OMIM 614327.

Allele frequency attached by ClinVar (database versions not stated): gnomAD exomes below 0.00001; ExAC 0.00001.

Submissions (3):

Labcorp Genetics (formerly Invitae), Labcorp
Classification: Likely benign for BAP1-related tumor predisposition syndrome. Last evaluated: 2025-04-14. Review status: criteria provided, single submitter. Criteria: Invitae Variant Classification Sherloc (09022015). Collection method: clinical testing. Allele origin: germline.

Myriad Genetics, Inc.
Classification: Benign for BAP1-related tumor predisposition syndrome. Last evaluated: 2024-07-16. Review status: criteria provided, single submitter. Criteria: Myriad Autosomal Dominant, Autosomal Recessive and X-Linked Classification Criteria (2023). Collection method: clinical testing. Allele origin: unknown.
Comment: This variant is considered benign. This variant is a silent/synonymous amino acid change and it is not expected to impact splicing.

Ambry Genetics
Classification: Likely benign for Hereditary cancer-predisposing syndrome. Last evaluated: 2024-01-19. Review status: criteria provided, single submitter. Criteria: Ambry Variant Classification Scheme 2023. Collection method: clinical testing. Allele origin: germline.

NM_004656.4(BAP1):c.1362G>A (p.Glu454=)

Gene: BAP1 (BRCA1 associated deubiquitinase 1; minus strand). Cytogenetic location: 3p21.1.
Variant type: single nucleotide variant.
Coding change: c.1362G>A on transcript NM_004656.4 (MANE Select); coding-DNA position 1362, G replaced by A.
Protein change: p.Glu454=; no amino-acid change (glutamic acid 454 retained).
Molecular consequence: synonymous variant.
Genome position (GRCh38, 1-based): chr3:52,403,783, C>T on the plus strand (G>A on the coding strand, the complement: BAP1 is on the minus strand). VCF-style: chr3-52403783-C-T. GRCh37 (hg19) VCF-style: chr3-52437799-C-T.
Other names: c.1362G>A (NM_004656.2).
Identifiers: ClinVar variation 1095467 (VCV001095467.9), dbSNP rs773715938, ClinGen allele CA2436815.
Genomic context (GRCh38, chr3:52,403,783, plus strand): 5'-CGGACTCCCAGCCCCGCTGCTAGTCTTGATGGACAGAGGAATTGAGAGGTCCTTCTGGGA[C>T]TCTTTGAGCTTCTCAGCCAAGACGTTGATGGTGTTGGGCTGCAGCACTGACAGTTGCCCA-3'
Protein context (NP_004647.1, residues 444-464): TINVLAEKLK[Glu454=]SQKDLSIPLS